The following is an entry in ClinVar:

NM_207346.3(TSEN54):c.1028A>C (p.Gln343Pro)

Gene: TSEN54 (tRNA splicing endonuclease subunit 54; plus strand). Cytogenetic location: 17q25.1.
Variant type: single nucleotide variant.
Coding change: c.1028A>C on transcript NM_207346.3 (MANE Select); coding-DNA position 1028, A replaced by C.
Protein change: p.Gln343Pro; replaces glutamine 343 with proline.
Molecular consequence: missense variant.
Genome position (GRCh38, 1-based): chr17:75,522,109, A>C. VCF-style: chr17-75522109-A-C. GRCh37 (hg19) VCF-style: chr17-73518190-A-C.
Other names: short protein forms Q343P.
Identifiers: ClinVar variation 1352735 (VCV001352735.6), dbSNP rs994403512, ClinGen allele CA294079314.
Genomic context (GRCh38, chr17:75,522,109, plus strand): 5'-TCCCGGCCAACGTGGCTGGGCGGGAGACAGACGCTGAGTCCTGGTGCCAGAAGCTGAACC[A>C]GCGCAAGGAGAAGCTCTCCAGGCGGGAACGGGAGCACCACGCGGAGGCCGCGCAGTTCCA-3'
Protein context (NP_997229.2, residues 333-353): DAESWCQKLN[Gln343Pro]RKEKLSRRER

ClinVar aggregate classification (germline): Uncertain significance (1 of 4 stars; one submission).

Submission:

Labcorp Genetics (formerly Invitae), Labcorp
Classification: Uncertain significance. Last evaluated: 2023-07-17. Review status: criteria provided, single submitter. Criteria: Invitae Variant Classification Sherloc (09022015). Collection method: clinical testing. Allele origin: germline.
Comment: Advanced modeling of protein sequence and biophysical properties (such as structural, functional, and spatial information, amino acid conservation, physicochemical variation, residue mobility, and thermodynamic stability) performed at Invitae indicates that this missense variant is not expected to disrupt TSEN54 protein function. In summary, the available evidence is currently insufficient to determine the role of this variant in disease. Therefore, it has been classified as a Variant of Uncertain Significance. ClinVar contains an entry for this variant (Variation ID: 1352735). This variant has not been reported in the literature in individuals affected with TSEN54-related conditions. This variant is not present in population databases (gnomAD no frequency). This sequence change replaces glutamine, which is neutral and polar, with proline, which is neutral and non-polar, at codon 343 of the TSEN54 protein (p.Gln343Pro).